The following is an entry in ClinVar:

NM_001999.4(FBN2):c.8279A>C (p.Glu2760Ala)

Gene: FBN2 (fibrillin 2; minus strand). Cytogenetic location: 5q23.3.
Variant type: single nucleotide variant.
Coding change: c.8279A>C on transcript NM_001999.4 (MANE Select); coding-DNA position 8279, A replaced by C.
Protein change: p.Glu2760Ala; replaces glutamic acid 2760 with alanine.
Molecular consequence: missense variant.
Genome position (GRCh38, 1-based): chr5:128,261,821, T>G on the plus strand (A>C on the coding strand, the complement: FBN2 is on the minus strand). VCF-style: chr5-128261821-T-G. GRCh37 (hg19) VCF-style: chr5-127597513-T-G.
Other names: short protein forms E2760A.
Identifiers: ClinVar variation 213429 (VCV000213429.7), dbSNP rs56023452, ClinGen allele CA322789.
Genomic context (GRCh38, chr5:128,261,821, plus strand): 5'-CTTCTCTTCTGCCTGCTGTCTTTCTTAGAATAGCCGTTGATTTTGCACTCGTAGCATGCT[T>G]CTGGGGACAGAGCATTTTCCTCATCGACCTCTGTATCCAGTGACAGGTACTGCCCCTTGT-3'
Protein context (NP_001990.2, residues 2750-2770): EVDEENALSP[Glu2760Ala]ACYECKINGY

ClinVar aggregate classification (germline): Uncertain significance. Review status: criteria provided, multiple submitters, no conflicts (2 of 4 stars). 2 submissions from 2 submitters: Uncertain significance (2). Last evaluated 2019-06-03.

Conditions:
Familial thoracic aortic aneurysm and aortic dissection (TAAD). Also called: Thoracic aortic aneurysms and dissections. Identifiers: Orphanet 91387, MedGen C4707243, MONDO:0019625.

Allele frequency attached by ClinVar (database versions not stated): gnomAD exomes below 0.00001 and 0.00004; ExAC 0.00001; gnomAD 0.00001.
gnomAD v4.1: 22 of 1,614,076 alleles (0.0014%); highest among the groups gnomAD compares: East Asian, 0.049%; no homozygotes.

Submissions (2):

GeneDx
Classification: Uncertain significance. Last evaluated: 2019-06-03. Review status: criteria provided, single submitter. Criteria: GeneDx Variant Classification Process June 2021. Collection method: clinical testing. Allele origin: germline. Affected: yes.
Comment: Has not been previously published as pathogenic or benign to our knowledge; Not observed at a significant frequency in large population cohorts (Lek et al., 2016); Reported in ClinVar as a variant of uncertain significance (ClinVar Variant ID# 213429; Landrum et al., 2016); In silico analysis, which includes protein predictors and evolutionary conservation, supports a deleterious effect; Does not affect a cysteine residue within a calcium-binding EGF-like domain of the FBN2 gene; cysteine substitutions in the calcium-binding EGF-like domains represent the majority of pathogenic missense changes associated with FBN2-related disorders (Collod-Beroud et al., 2003; Frederic et al., 2009)

Ambry Genetics
Classification: Uncertain significance for Familial thoracic aortic aneurysm and aortic dissection. Last evaluated: 2017-02-08. Review status: criteria provided, single submitter. Criteria: Ambry Variant Classification Scheme 2023. Collection method: clinical testing. Allele origin: germline.
Comment: The p.E2760A variant (also known as c.8279A>C), located in coding exon 64 of the FBN2 gene, results from an A to C substitution at nucleotide position 8279. The glutamic acid at codon 2760 is replaced by alanine, an amino acid with dissimilar properties, and is located in the fibulin-like domain. This amino acid position is highly conserved in available vertebrate species. In addition, this alteration is predicted to be deleterious by in silico analysis. Since supporting evidence is limited at this time, the clinical significance of this alteration remains unclear.